The following is an entry in ClinVar:

NM_024570.4(RNASEH2B):c.308A>G (p.Lys103Arg)

Gene: RNASEH2B (ribonuclease H2 subunit B; plus strand). Cytogenetic location: 13q14.3.
Variant type: single nucleotide variant.
Coding change: c.308A>G on transcript NM_024570.4 (MANE Select); coding-DNA position 308, A replaced by G.
Protein change: p.Lys103Arg; replaces lysine 103 with arginine.
Molecular consequence: missense variant.
Genome position (GRCh38, 1-based): chr13:50,930,746, A>G. VCF-style: chr13-50930746-A-G. GRCh37 (hg19) VCF-style: chr13-51504882-A-G.
Other names: p.Lys103Arg; c.308A>G, p.Lys103Arg (NM_001142279.2); short protein forms K103R.
Identifiers: ClinVar variation 645436 (VCV000645436.11), dbSNP rs767086382, ClinGen allele CA6985525.

ClinVar aggregate classification (germline): Uncertain significance. Review status: criteria provided, multiple submitters, no conflicts (2 of 4 stars). 3 submissions from 3 submitters: Uncertain significance (3). Last evaluated 2024-11-05.

Conditions:
Aicardi-Goutieres syndrome 2. Identifiers: Orphanet 51, MedGen C3489724, MONDO:0012429, OMIM 610181.

Allele frequency attached by ClinVar (database versions not stated): gnomAD 0.00001; gnomAD exomes 0.00001 and 0.00005; TOPMed 0.00002; ExAC 0.00005.
gnomAD v4.1: 14 of 1,613,116 alleles (0.00087%); highest among the groups gnomAD compares: East Asian, 0.027%; no homozygotes.

Submissions (3):

Labcorp Genetics (formerly Invitae), Labcorp
Classification: Uncertain significance for Aicardi-Goutieres syndrome 2. Last evaluated: 2024-11-05. Review status: criteria provided, single submitter. Criteria: Invitae Variant Classification Sherloc (09022015). Collection method: clinical testing. Allele origin: germline.
Comment: This sequence change replaces lysine, which is basic and polar, with arginine, which is basic and polar, at codon 103 of the RNASEH2B protein (p.Lys103Arg). This variant is present in population databases (rs767086382, gnomAD 0.07%). This variant has not been reported in the literature in individuals affected with RNASEH2B-related conditions. ClinVar contains an entry for this variant (Variation ID: 645436). Invitae Evidence Modeling of protein sequence and biophysical properties (such as structural, functional, and spatial information, amino acid conservation, physicochemical variation, residue mobility, and thermodynamic stability) has been performed for this missense variant. However, the output from this modeling did not meet the statistical confidence thresholds required to predict the impact of this variant on RNASEH2B protein function. In summary, the available evidence is currently insufficient to determine the role of this variant in disease. Therefore, it has been classified as a Variant of Uncertain Significance.

Mayo Clinic Laboratories, Mayo Clinic
Classification: Uncertain significance. Last evaluated: 2024-05-09. Review status: criteria provided, single submitter. Criteria: ACMG Guidelines, 2015. Collection method: clinical testing. Allele origin: germline. Observed: 1 variant allele.

Illumina Laboratory Services, Illumina
Classification: Uncertain significance for Aicardi-Goutieres syndrome 2. Last evaluated: 2018-01-12. Review status: criteria provided, single submitter. Criteria: ICSL Variant Classification Criteria 13 December 2019. Collection method: clinical testing. Allele origin: germline.